The following is an entry in ClinVar:

ClinVar aggregate classification (germline): Likely benign (1 of 4 stars; one submission).

Conditions:
BRF1-related disorder. Also called: BRF1-related condition.

gnomAD v4.1: 47 of 1,610,236 alleles (0.0029%); highest among the groups gnomAD compares: African/African-American, 0.033%; no homozygotes.

Submission:

PreventionGenetics, part of Exact Sciences
Classification: Likely benign for BRF1-related condition. Last evaluated: 2026-06-29. Review status: criteria provided, single submitter. Criteria: ACMG Guidelines, 2015. Collection method: clinical testing. Allele origin: germline.
Comment: This variant is classified as likely benign based on ACMG/AMP sequence variant interpretation guidelines (Richards et al. 2015 PMID: 25741868, with internal and published modifications).

NM_001519.4(BRF1):c.694+7C>T

Gene: BRF1 (BRF1 general transcription factor IIIB subunit; minus strand). Cytogenetic location: 14q32.33.
Variant type: single nucleotide variant.
Coding change: c.694+7C>T on transcript NM_001519.4 (MANE Select); 7 bases into the intron after coding-DNA position 694, C replaced by T.
Molecular consequence: intron variant.
Genome position (GRCh38, 1-based): chr14:105,241,258, G>A on the plus strand (C>T on the coding strand, the complement: BRF1 is on the minus strand). VCF-style: chr14-105241258-G-A. GRCh37 (hg19) VCF-style: chr14-105707595-G-A.
Other names: c.199+11249C>T (NM_001440451.1); c.349+7C>T (NM_001242787.2, NM_001242786.2); c.613+7C>T (NM_001242788.2); c.544+11249C>T (NM_001440450.1); c.694+7C>T (NM_001440449.1); c.-21+7891C>T (NM_001242789.2); c.31+6030C>T (NM_001440454.1); c.181+7C>T (NM_001440453.1, NM_001440452.1); and 1 more.
Identifiers: ClinVar variation 4980511 (VCV004980511.1).